The following is an entry in ClinVar:

NM_006734.4(HIVEP2):c.4781T>A (p.Leu1594Gln)

Gene: HIVEP2 (HIVEP zinc finger 2; minus strand). Cytogenetic location: 6q24.2.
Variant type: single nucleotide variant.
Coding change: c.4781T>A on transcript NM_006734.4 (MANE Select); coding-DNA position 4781, T replaced by A.
Protein change: p.Leu1594Gln; replaces leucine 1594 with glutamine.
Molecular consequence: missense variant.
Genome position (GRCh38, 1-based): chr6:142,769,958, A>T on the plus strand (T>A on the coding strand, the complement: HIVEP2 is on the minus strand). VCF-style: chr6-142769958-A-T. GRCh37 (hg19) VCF-style: chr6-143091095-A-T.
Other names: short protein forms L1594Q.
Identifiers: ClinVar variation 932018 (VCV000932018.3), dbSNP rs1775480757, ClinGen allele CA365898150.

ClinVar aggregate classification (germline): Uncertain significance (1 of 4 stars; one submission).

Conditions:
Intellectual developmental disorder, autosomal dominant 43. Also called: Intellectual disability, autosomal dominant 43. Identifiers: MedGen C4707429, MONDO:0014858, OMIM 616977.

Allele frequency attached by ClinVar (database versions not stated): gnomAD exomes below 0.00001.
gnomAD v4.1: 1 of 1,614,054 alleles (0.000062%); highest among the groups gnomAD compares: Non-Finnish European, 0.000085%; no homozygotes.

Submission:

Centre for Mendelian Genomics, University Medical Centre Ljubljana
Classification: Uncertain significance for Intellectual developmental disorder, autosomal dominant 43. Last evaluated: 2019-03-24. Review status: criteria provided, single submitter. Criteria: ACMG Guidelines, 2015. Collection method: clinical testing. Allele origin: unknown. Affected: yes.
Comment: This variant was classified as: Uncertain significance. The available evidence on this variant's pathogenicity is insufficient or conflicting. The following ACMG criteria were applied in classifying this variant: PM2.